The following is an entry in ClinVar:

Conditions:
Breast-ovarian cancer, familial, susceptibility to, 1 (BROVCA1). Also called: BRCA1 Hereditary Breast and Ovarian Cancer; OVARIAN CANCER, SUSCEPTIBILITY TO. Identifiers: Orphanet 145, MedGen C2676676, MONDO:0011450, OMIM 604370. Disease mechanism: loss of function.

Submission:

Brotman Baty Institute, University of Washington
No classification provided (evidence only). Condition: Breast-ovarian cancer, familial 1. Review status: no classification provided. Collection method: in vitro. Allele origin: not applicable. Functional consequence: function_uncertain_variant.
ClinVar note: "not provided" was previously submitted as the classification for the variant. However, the classification appeared to be based only on an observation of functional data so it was converted to no classification on 2025-07-30.

NM_007294.4(BRCA1):c.5467+24G>C

Gene: BRCA1 (BRCA1 DNA repair associated; minus strand). Cytogenetic location: 17q21.31.
Variant type: single nucleotide variant.
Coding change: c.5467+24G>C on transcript NM_007294.4 (MANE Select); 24 bases into the intron after coding-DNA position 5467, G replaced by C.
Molecular consequence: intron variant.
Genome position (GRCh38, 1-based): chr17:43,047,619, C>G on the plus strand (G>C on the coding strand, the complement: BRCA1 is on the minus strand). VCF-style: chr17-43047619-C-G. GRCh37 (hg19) VCF-style: chr17-41199636-C-G.
Other names: c.2014+24G>C (NM_001408458.1, NM_001408461.1, NM_001408464.1 and 7 more transcripts); c.4576+24G>C (NM_001407967.1); c.5086+24G>C (NM_001407959.1); c.5200+24G>C (NM_001407931.1, NM_001407932.1, NM_001407928.1 and 4 more transcripts); c.5323+24G>C (NM_001407747.1, NM_001407745.1, NM_001407737.1 and 18 more transcripts); c.5083+24G>C (NM_001407962.1, NM_001407960.1); c.1654+24G>C (NM_001408512.1); c.1777+24G>C (NM_001408510.1); and 83 more.
Identifiers: ClinVar variation 864900 (VCV000864900.3), dbSNP rs2050970770, ClinGen allele CA916080723.